The following is an entry in ClinVar:

NM_032520.5(GNPTG):c.178+1G>C

Gene: GNPTG (N-acetylglucosamine-1-phosphate transferase subunit gamma; plus strand). Cytogenetic location: 16p13.3.
Variant type: single nucleotide variant.
Coding change: c.178+1G>C on transcript NM_032520.5 (MANE Select); the canonical splice donor site of the intron after coding-DNA position 178, G replaced by C.
Molecular consequence: splice donor variant.
Genome position (GRCh38, 1-based): chr16:1,352,307, G>C. VCF-style: chr16-1352307-G-C. GRCh37 (hg19) VCF-style: chr16-1402308-G-C.
Identifiers: ClinVar variation 2996325 (VCV002996325.3), dbSNP rs1596603769, ClinGen allele CA394184675.

ClinVar aggregate classification (germline): Likely pathogenic (1 of 4 stars; one submission).

Submission:

Labcorp Genetics (formerly Invitae), Labcorp
Classification: Likely pathogenic. Last evaluated: 2023-01-28. Review status: criteria provided, single submitter. Criteria: Invitae Variant Classification Sherloc (09022015). Collection method: clinical testing. Allele origin: germline.
Comment: In summary, the currently available evidence indicates that the variant is pathogenic, but additional data are needed to prove that conclusively. Therefore, this variant has been classified as Likely Pathogenic. This sequence change affects a donor splice site in intron 3 of the GNPTG gene. It is expected to disrupt RNA splicing. Variants that disrupt the donor or acceptor splice site typically lead to a loss of protein function (PMID: 16199547), and loss-of-function variants in GNPTG are known to be pathogenic (PMID: 19370764, 20301784). This variant is not present in population databases (gnomAD no frequency). This variant has not been reported in the literature in individuals affected with GNPTG-related conditions. Algorithms developed to predict the effect of sequence changes on RNA splicing suggest that this variant may disrupt the consensus splice site.

Literature cited by the submitters: PubMed 16199547; PubMed 19370764; PubMed 20301784.